The following is an entry in ClinVar:

NM_000152.5(GAA):c.692+674G>C

Gene: GAA (alpha glucosidase; plus strand). Cytogenetic location: 17q25.3.
Variant type: single nucleotide variant.
Coding change: c.692+674G>C on transcript NM_000152.5 (MANE Select); 674 bases into the intron after coding-DNA position 692, G replaced by C.
Molecular consequence: intron variant.
Genome position (GRCh38, 1-based): chr17:80,106,568, G>C. VCF-style: chr17-80106568-G-C. GRCh37 (hg19) VCF-style: chr17-78080367-G-C.
Other names: c.692+674G>C (NM_001406741.1, NM_001406742.1, NM_001079803.3 and 1 more transcripts).
Identifiers: ClinVar variation 4876411 (VCV004876411.1).

ClinVar aggregate classification (germline): Benign (1 of 4 stars; one submission).

Conditions:
Glycogen storage disease, type II (IOPD). Also called: Pompe Disease; CARDIOMEGALIA GLYCOGENICA DIFFUSA; GLYCOGENOSIS, GENERALIZED, CARDIAC FORM; GSD II; POMPE DISEASE, INFANTILE-ONSET; GLYCOGEN STORAGE DISEASE II, INFANTILE-ONSET. Identifiers: Orphanet 365, MedGen C0017921, MONDO:0009290, OMIM 232300.

gnomAD v4.1: 99,521 of 151,990 alleles (65%); highest among the groups gnomAD compares: Middle Eastern, 85%; 33,439 homozygotes.

Submission:

Genomenon, Inc
Classification: Benign for Glycogen storage disease, type II. Last evaluated: 2026-07-01. Review status: criteria provided, single submitter. Criteria: Genomenon Sequence Variant Interpretation Standards - Updated. Collection method: curation. Allele origin: germline. Affected: no.
Comment: GAA c.692+674G>C is an intronic variant located in intron 3. This variant is present at high allele frequency in population databases. We classify GAA c.692+674G>C as a benign variant.